The following is an entry in ClinVar:

NM_001165963.4(SCN1A):c.4112G>T (p.Gly1371Val)

Genes: SCN1A (sodium voltage-gated channel alpha subunit 1; minus strand), LOC102724058 (uncharacterized LOC102724058; plus strand). Cytogenetic location: 2q24.3.
Variant type: single nucleotide variant.
Coding change: c.4112G>T on transcript NM_001165963.4 (MANE Select); coding-DNA position 4112, G replaced by T.
Protein change: p.Gly1371Val; replaces glycine 1371 with valine.
Molecular consequence: missense variant. On other transcripts: non-coding transcript variant (1).
Genome position (GRCh38, 1-based): chr2:166,002,644, C>A on the plus strand (G>T on the coding strand, the complement: SCN1A is on the minus strand). VCF-style: chr2-166002644-C-A. GRCh37 (hg19) VCF-style: chr2-166859154-C-A.
Other names: c.4028G>T, p.Gly1343Val (NM_001165964.3, NM_001353957.2, NM_001353958.2); c.4112G>T, p.Gly1371Val (NM_001202435.3, NM_001353948.2); c.4079G>T, p.Gly1360Val (NM_001353949.2, NM_001353950.2, NM_001353951.2 and 2 more transcripts); c.4076G>T, p.Gly1359Val (NM_001353954.2, NM_001353955.2); c.4025G>T, p.Gly1342Val (NM_001353960.2); c.1670G>T, p.Gly557Val (NM_001353961.2); short protein forms G1360V, G557V, G1342V, G1343V, G1359V, G1371V.
Identifiers: ClinVar variation 1465452 (VCV001465452.9), dbSNP rs865867764, ClinGen allele CA349050417.

ClinVar aggregate classification (germline): Likely pathogenic (1 of 4 stars; one submission).

Conditions:
Early-infantile DEE. Also called: Ohtahara syndrome; Early infantile epileptic encephalopathy with suppression bursts; Early infantile epileptic encephalopathy. Identifiers: Orphanet 1934, MedGen C0393706, MONDO:0800491.

Submission:

Labcorp Genetics (formerly Invitae), Labcorp
Classification: Likely pathogenic for Early-infantile DEE. Last evaluated: 2022-05-27. Review status: criteria provided, single submitter. Criteria: Invitae Variant Classification Sherloc (09022015). Collection method: clinical testing. Allele origin: germline.
Comment: This sequence change replaces glycine, which is neutral and non-polar, with valine, which is neutral and non-polar, at codon 1371 of the SCN1A protein (p.Gly1371Val). This variant is not present in population databases (gnomAD no frequency). This missense change has been observed in individual(s) with Dravet syndrome (PMID: 24656210). Advanced modeling of protein sequence and biophysical properties (such as structural, functional, and spatial information, amino acid conservation, physicochemical variation, residue mobility, and thermodynamic stability) performed at Invitae indicates that this missense variant is expected to disrupt SCN1A protein function. In summary, the currently available evidence indicates that the variant is pathogenic, but additional data are needed to prove that conclusively. Therefore, this variant has been classified as Likely Pathogenic.

Literature cited by the submitters: PubMed 24656210.